The following is an entry in ClinVar:

ClinVar aggregate classification (germline): Uncertain significance (1 of 4 stars; one submission).

Allele frequency attached by ClinVar (database versions not stated): gnomAD exomes below 0.00001.
gnomAD v4.1: 2 of 1,614,230 alleles (0.00012%); highest among the groups gnomAD compares: Non-Finnish European, 0.000085%; no homozygotes.

Submission:

Labcorp Genetics (formerly Invitae), Labcorp
Classification: Uncertain significance. Last evaluated: 2024-10-28. Review status: criteria provided, single submitter. Criteria: Invitae Variant Classification Sherloc (09022015). Collection method: clinical testing. Allele origin: germline.
Comment: This sequence change replaces aspartic acid, which is acidic and polar, with tyrosine, which is neutral and polar, at codon 3379 of the DNAH9 protein (p.Asp3379Tyr). This variant is not present in population databases (gnomAD no frequency). This variant has not been reported in the literature in individuals affected with DNAH9-related conditions. Invitae Evidence Modeling of protein sequence and biophysical properties (such as structural, functional, and spatial information, amino acid conservation, physicochemical variation, residue mobility, and thermodynamic stability) indicates that this missense variant is expected to disrupt DNAH9 protein function with a positive predictive value of 80%. In summary, the available evidence is currently insufficient to determine the role of this variant in disease. Therefore, it has been classified as a Variant of Uncertain Significance.

NM_001372.4(DNAH9):c.10135G>T (p.Asp3379Tyr)

Gene: DNAH9 (dynein axonemal heavy chain 9; plus strand). Cytogenetic location: 17p12.
Variant type: single nucleotide variant.
Coding change: c.10135G>T on transcript NM_001372.4 (MANE Select); coding-DNA position 10135, G replaced by T.
Protein change: p.Asp3379Tyr; replaces aspartic acid 3379 with tyrosine.
Molecular consequence: missense variant.
Genome position (GRCh38, 1-based): chr17:11,871,679, G>T. VCF-style: chr17-11871679-G-T. GRCh37 (hg19) VCF-style: chr17-11774996-G-T.
Other names: short protein forms D3379Y.
Identifiers: ClinVar variation 2788941 (VCV002788941.3), dbSNP rs2544799510, ClinGen allele CA398196148.
Genomic context (GRCh38, chr17:11,871,679, plus strand): 5'-AACGTGAGGTGGGCAGATGCCGTGCAGAACTTCAAACAGCAGGAAAGGACGTTATGTGGA[G>T]ACATTTTACTTATAACGGCTTTCATTTCCTACCTTGGCTTCTTCACAAAGAAATACCGGC-3'
Protein context (NP_001363.2, residues 3369-3389): FKQQERTLCG[Asp3379Tyr]ILLITAFISY